The following is an entry in ClinVar:

ClinVar aggregate classification (germline): Conflicting classifications of pathogenicity. Review status: criteria provided, conflicting classifications (1 of 4 stars). 3 submissions from 3 submitters: Uncertain significance (1); Benign (1); Likely benign (1). Last evaluated 2025-11-03.

Conditions:
Familial hypobetalipoproteinemia 1. Also called: Hypobetalipoproteinemia, normotriglyceridemic; Acanthocytosis with hypobetalipoproteinemia; APOB-Related Familial Hypobetalipoproteinemia. Identifiers: MedGen C4551990, MONDO:0014252, OMIM 615558.
Hypercholesterolemia, autosomal dominant, type B (FHCL2). Also called: APOLIPOPROTEIN B-100, FAMILIAL DEFECTIVE; APOLIPOPROTEIN B-100, FAMILIAL LIGAND-DEFECTIVE; HYPERCHOLESTEROLEMIA, FAMILIAL, DUE TO LIGAND-DEFECTIVE APOLIPOPROTEIN B; Hyperlipoproteinemia Type IIb; Familial hypercholesterolemia 2; APOB-Related Familial Hypercholesterolemia, Autosomal Dominant. Identifiers: MedGen C1704417, MONDO:0007751, OMIM 144010.
Cardiovascular phenotype. Identifiers: MedGen CN230736.

Allele frequency attached by ClinVar (database versions not stated): gnomAD exomes 0.00012; gnomAD 0.00002 and 0.00004; TOPMed 0.00003; ExAC 0.00014.
gnomAD v4.1: 105 of 1,613,804 alleles (0.0065%); highest among the groups gnomAD compares: South Asian, 0.075%; 2 homozygotes.

Submissions (3):

Labcorp Genetics (formerly Invitae), Labcorp
Classification: Likely benign for Familial hypobetalipoproteinemia 1; Hypercholesterolemia, autosomal dominant, type B. Last evaluated: 2025-11-03. Review status: criteria provided, single submitter. Criteria: Invitae Variant Classification Sherloc (09022015). Collection method: clinical testing. Allele origin: germline.

Quest Diagnostics Nichols Institute San Juan Capistrano
Classification: Uncertain significance. Last evaluated: 2025-07-31. Review status: criteria provided, single submitter. Criteria: Quest Diagnostics criteria. Collection method: clinical testing. Allele origin: unknown.
Comment: The APOB c.698G>A (p.Arg233His) variant has not been reported in individuals with APOB-related conditions in the published literature. The frequency of this variant in the general population (Genome Aggregation Database) is uninformative in the assessment of its pathogenicity. Analysis of this variant using bioinformatics tools for the prediction of the effect of amino acid changes on protein structure and function yielded predictions that this variant is benign. Based on the available information, we are unable to determine the clinical significance of this variant.

Ambry Genetics
Classification: Benign for Cardiovascular phenotype. Last evaluated: 2024-01-16. Review status: criteria provided, single submitter. Criteria: Ambry Variant Classification Scheme 2023. Collection method: clinical testing. Allele origin: germline.

NM_000384.3(APOB):c.698G>A (p.Arg233His)

Gene: APOB (apolipoprotein B; minus strand). Cytogenetic location: 2p24.1.
Variant type: single nucleotide variant.
Coding change: c.698G>A on transcript NM_000384.3 (MANE Select); coding-DNA position 698, G replaced by A.
Protein change: p.Arg233His; replaces arginine 233 with histidine.
Molecular consequence: missense variant.
Genome position (GRCh38, 1-based): chr2:21,035,704, C>T on the plus strand (G>A on the coding strand, the complement: APOB is on the minus strand). VCF-style: chr2-21035704-C-T. GRCh37 (hg19) VCF-style: chr2-21258576-C-T.
Other names: short protein forms R233H.
Identifiers: ClinVar variation 853967 (VCV000853967.16), dbSNP rs766724697, ClinGen allele CA063936.